The following is an entry in ClinVar:

ClinVar aggregate classification (germline): Uncertain significance. Review status: criteria provided, multiple submitters, no conflicts (2 of 4 stars). 4 submissions from 4 submitters: Uncertain significance (4). Last evaluated 2025-08-05.

Conditions:
Hereditary cancer-predisposing syndrome. Also called: Neoplastic Syndromes, Hereditary; Tumor predisposition; Hereditary Cancer Syndrome; Hereditary neoplastic syndrome. Identifiers: Orphanet 140162, MedGen C0027672, MeSH D009386, MONDO:0015356.
Breast-ovarian cancer, familial, susceptibility to, 4. Identifiers: Orphanet 145, MedGen C3280345, MONDO:0013669, OMIM 614291.

Allele frequency attached by ClinVar (database versions not stated): gnomAD 0.00001; TOPMed 0.00001.

Submissions (4):

Labcorp Genetics (formerly Invitae), Labcorp
Classification: Uncertain significance for Breast-ovarian cancer, familial, susceptibility to, 4. Last evaluated: 2025-08-05. Review status: criteria provided, single submitter. Criteria: Invitae Variant Classification Sherloc (09022015). Collection method: clinical testing. Allele origin: germline.
Comment: This sequence change replaces valine, which is neutral and non-polar, with methionine, which is neutral and non-polar, at codon 181 of the RAD51D protein (p.Val181Met). This variant is not present in population databases (gnomAD no frequency). This variant has not been reported in the literature in individuals affected with RAD51D-related conditions. ClinVar contains an entry for this variant (Variation ID: 230636). Invitae Evidence Modeling of protein sequence and biophysical properties (such as structural, functional, and spatial information, amino acid conservation, physicochemical variation, residue mobility, and thermodynamic stability) indicates that this missense variant is not expected to disrupt RAD51D protein function with a negative predictive value of 80%. In summary, the available evidence is currently insufficient to determine the role of this variant in disease. Therefore, it has been classified as a Variant of Uncertain Significance.

Ambry Genetics
Classification: Uncertain significance for Hereditary cancer-predisposing syndrome. Last evaluated: 2024-11-22. Review status: criteria provided, single submitter. Criteria: Ambry Variant Classification Scheme 2023. Collection method: clinical testing. Allele origin: germline.
Comment: The p.V181M variant (also known as c.541G>A), located in coding exon 6 of the RAD51D gene, results from a G to A substitution at nucleotide position 541. The valine at codon 181 is replaced by methionine, an amino acid with highly similar properties. This amino acid position is not well conserved in available vertebrate species. In addition, this alteration is predicted to be tolerated by in silico analysis. Since supporting evidence is limited at this time, the clinical significance of this alteration remains unclear.

Baylor Genetics
Classification: Uncertain significance for Breast-ovarian cancer, familial, susceptibility to, 4. Last evaluated: 2023-08-07. Review status: criteria provided, single submitter. Criteria: ACMG Guidelines, 2015. Collection method: clinical testing. Allele origin: unknown.

GeneDx
Classification: Uncertain significance. Last evaluated: 2016-09-19. Review status: criteria provided, single submitter. Criteria: GeneDx Variant Classification (06012015). Collection method: clinical testing. Allele origin: germline. Affected: yes.
Comment: This variant is denoted RAD51D c.541G>A at the cDNA level, p.Val181Met (V181M) at the protein level, and results in the change of a Valine to a Methionine (GTG>ATG). This variant has not, to our knowledge, been published in the literature as pathogenic or benign. RAD51D Val181Met was not observed in approximately 6,500 individuals of European and African American ancestry in the NHLBI Exome Sequencing Project, suggesting it is not a common benign variant in these populations. Since Valine and Methionine share similar properties, this is considered a conservative amino acid substitution. RAD51D Val181Met occurs at a position that is not conserved and is located in the ATPase domain (Kim 2011). In silico analyses are inconsistent regarding the effect this variant may have on protein structure and function. Based on currently available evidence, it is unclear whether RAD51D Val181Met is a pathogenic or benign variant. We consider it to be a variant of uncertain significance.

NM_002878.4(RAD51D):c.541G>A (p.Val181Met)

Genes: RAD51L3-RFFL (RAD51L3-RFFL readthrough; minus strand), RAD51D (RAD51 paralog D; minus strand). Cytogenetic location: 17q12.
Variant type: single nucleotide variant.
Coding change: c.541G>A on transcript NM_002878.4 (MANE Select); coding-DNA position 541, G replaced by A.
Protein change: p.Val181Met; replaces valine 181 with methionine.
Molecular consequence: missense variant. On other transcripts: non-coding transcript variant (3).
Genome position (GRCh38, 1-based): chr17:35,106,421, C>T on the plus strand (G>A on the coding strand, the complement: RAD51D is on the minus strand). VCF-style: chr17-35106421-C-T. GRCh37 (hg19) VCF-style: chr17-33433440-C-T.
Other names: c.601G>A, p.Val201Met (NM_001142571.2); c.205G>A, p.Val69Met (NM_133629.3); short protein forms V181M, V201M, V69M.
Identifiers: ClinVar variation 230636 (VCV000230636.14), dbSNP rs876658678, ClinGen allele CA10580455.